The following is an entry in ClinVar:

ClinVar aggregate classification (germline): Conflicting classifications of pathogenicity. Review status: criteria provided, conflicting classifications (1 of 4 stars). 6 submissions from 6 submitters: Pathogenic (1); Likely pathogenic (2); Uncertain significance (2). 1 of the submissions does not count toward it. Last evaluated 2025-07-17.

Conditions:
Familial cancer of breast. Also called: BREAST CANCER, FAMILIAL; hereditary breast carcinoma; Hereditary breast cancer. Identifiers: Orphanet 227535, MedGen C0346153, MONDO:0016419, OMIM 114480. Disease mechanism: loss of function.
Fanconi anemia complementation group J. Also called: BRIP1-Related Fanconi Anemia. Identifiers: Orphanet 84, MedGen C1836860, MONDO:0012187, OMIM 609054.
Hereditary cancer-predisposing syndrome. Also called: Neoplastic Syndromes, Hereditary; Hereditary neoplastic syndrome; Tumor predisposition; Hereditary Cancer Syndrome. Identifiers: Orphanet 140162, MedGen C0027672, MeSH D009386, MONDO:0015356.

Submissions (6):

Labcorp Genetics (formerly Invitae), Labcorp
Classification: Uncertain significance for Familial cancer of breast; Fanconi anemia complementation group J. Last evaluated: 2025-07-17. Review status: criteria provided, single submitter. Criteria: Invitae Variant Classification Sherloc (09022015). Collection method: clinical testing. Allele origin: germline.
Comment: This sequence change creates a premature translational stop signal (p.Leu929Hisfs*55) in the BRIP1 gene. While this is not anticipated to result in nonsense mediated decay, it is expected to disrupt the last 321 amino acid(s) of the BRIP1 protein. This variant is not present in population databases (gnomAD no frequency). This premature translational stop signal has been observed in individual(s) with breast cancer (PMID: 31300551). ClinVar contains an entry for this variant (Variation ID: 530300). In summary, the available evidence is currently insufficient to determine the role of this variant in disease. Therefore, it has been classified as a Variant of Uncertain Significance.

Color Diagnostics, LLC DBA Color Health
Classification: Likely pathogenic for Hereditary cancer-predisposing syndrome. Last evaluated: 2025-06-13. Review status: criteria provided, single submitter. Criteria: ACMG Guidelines, 2015. Collection method: clinical testing. Allele origin: germline.
Comment: This variant deletes 4 nucleotides in exon 19 of the BRIP1 gene, creating a frameshift and premature translation stop signal in the last exon. This variant is expected to escape nonsense-mediated decay and be expressed as a truncated protein that lacks the functional domains involved in BRCA1-binding, DNA damage and replication stress responses and attenuation of DNA damage tolerance pathway (PMID: 11301010, 14983014, 20159562, 20173781, 22792074). Although functional studies have not been reported for this variant, this variant is expected to impair important BRIP1 protein function. This variant has been reported in an individual affected with breast cancer (PMID: 31300551). This variant has been identified in 1/250646 chromosomes in the general population by the Genome Aggregation Database (gnomAD). Loss of BRIP1 function is a known mechanism of disease. Based on the available evidence, this variant is classified as Likely Pathogenic.

Ambry Genetics
Classification: Uncertain significance for Hereditary cancer-predisposing syndrome. Last evaluated: 2024-08-06. Review status: criteria provided, single submitter. Criteria: Ambry Variant Classification Scheme 2023. Collection method: clinical testing. Allele origin: germline.
Comment: The c.2786_2789delTATC variant, located in coding exon 18 of the BRIP1 gene, results from a deletion of 4 nucleotides at nucleotide positions 2786 to 2789, causing a translational frameshift with a predicted alternate stop codon (p.L929Hfs*55). This alteration occurs at the 3' terminus of theBRIP1 gene, is not expected to trigger nonsense-mediated mRNAdecay, and only impacts the last 25.7% of the protein. The exact functional effect of this alteration is unknown. Based on the available evidence, the clinical significance of this variant remains unclear.

Myriad Genetics, Inc.
Classification: Pathogenic for Familial cancer of breast. Last evaluated: 2023-06-07. Review status: criteria provided, single submitter. Criteria: Myriad Autosomal Dominant, Autosomal Recessive and X-Linked Classification Criteria (2023). Collection method: clinical testing. Allele origin: unknown.
Comment: This variant is considered pathogenic. This variant creates a frameshift predicted to result in premature protein truncation.

Genetic Services Laboratory, University of Chicago
Classification: Likely pathogenic. Last evaluated: 2019-06-21. Review status: criteria provided, single submitter. Criteria: ACMG Guidelines, 2015. Collection method: clinical testing. Allele origin: germline. Affected: yes.

Leiden Open Variation Database
Classification: Pathogenic. Last evaluated: 2019-12-23. Review status: no assertion criteria provided. Collection method: curation. Allele origin: germline. Affected: yes. Not counted in ClinVar's aggregate classification.
Comment: Curator: Arleen D. Auerbach. Submitter to LOVD: Florentia Fostira.

Literature cited by the submitters: PubMed 31300551 (cited by 4 submitters); PubMed 11301010 (cited by Color Diagnostics, LLC DBA Color Health); PubMed 14983014 (cited by Color Diagnostics, LLC DBA Color Health); PubMed 20159562 (cited by Color Diagnostics, LLC DBA Color Health); PubMed 20173781 (cited by Color Diagnostics, LLC DBA Color Health); PubMed 22792074 (cited by Color Diagnostics, LLC DBA Color Health).

NM_032043.3(BRIP1):c.2786_2789del (p.Leu929fs)

Gene: BRIP1 (BRCA1 interacting DNA helicase 1; minus strand). Cytogenetic location: 17q23.2.
Variant type: Deletion.
Coding change: c.2786_2789del on transcript NM_032043.3 (MANE Select); coding-DNA positions 2786 to 2789, 4 bases deleted (TATC; older notation c.2786_2789delTATC).
Protein change: p.Leu929fs; shifts the reading frame from leucine 929.
Molecular consequence: frameshift variant.
Genome position (GRCh38, 1-based): chr17:61,685,952-61,685,955, GATA deleted on the plus strand (TATC on the coding strand, the reverse complement: BRIP1 is on the minus strand); deleting any 4 consecutive bases within chr17:61,685,952-61,685,958 gives the same sequence; the c. name uses the placement nearest the transcript's 3' end. VCF-style (leftmost placement, unchanged base first): chr17-61685951-TGATA-T. GRCh37 (hg19) VCF-style: chr17-59763312-TGATA-T.
Other names: c.2786_2789delTATC (NM_032043.2); short protein forms L929fs.
Identifiers: ClinVar variation 530300 (VCV000530300.23), dbSNP rs1295703239, ClinGen allele CA658798924.
Genomic context (GRCh38, chr17:61,685,951, plus strand): 5'-TTTAGGACACTGTAGTTCCTGGACACATATCTTTGCTTCATCTTCCACAAAATTTTCTGG[TGATA>T]GATGACTTGCTGCTTCCAGTAAATAAGGTGAGGTACTGTACTTTAAAGAGGTCACTTCAA-3'